The following is an entry in ClinVar:

NM_001020658.2(PUM1):c.1252+17A>G

Gene: PUM1 (pumilio RNA binding family member 1; minus strand). Cytogenetic location: 1p35.2.
Variant type: single nucleotide variant.
Coding change: c.1252+17A>G on transcript NM_001020658.2 (MANE Select); 17 bases into the intron after coding-DNA position 1252, A replaced by G.
Molecular consequence: intron variant.
Genome position (GRCh38, 1-based): chr1:30,981,295, T>C on the plus strand (A>G on the coding strand, the complement: PUM1 is on the minus strand). VCF-style: chr1-30981295-T-C. GRCh37 (hg19) VCF-style: chr1-31454142-T-C.
Other names: c.1252+17A>G (NM_014676.3).
Identifiers: ClinVar variation 2637542 (VCV002637542.1), dbSNP rs2521714042, ClinGen allele CA2644520118.

ClinVar aggregate classification (germline): Likely benign (1 of 4 stars; one submission).

Allele frequency attached by ClinVar (database versions not stated): gnomAD exomes 0.00001.
gnomAD v4.1: 11 of 1,519,440 alleles (0.00072%); highest among the groups gnomAD compares: Non-Finnish European, 0.00099%; no homozygotes.

Submission:

Women's Health and Genetics/Laboratory Corporation of America, LabCorp
Classification: Likely benign. Last evaluated: 2023-10-30. Review status: criteria provided, single submitter. Criteria: LabCorp Variant Classification Summary - May 2015. Collection method: clinical testing. Allele origin: germline.
Comment: Variant summary: PUM1 c.1252+17A>G alters a nucleotide located at a position not widely known to affect splicing. Consensus agreement among computation tools predict no significant impact on normal splicing. However, these predictions have yet to be confirmed by functional studies. The variant was absent in 227254 control chromosomes (gnomAD). The available data on variant occurrences in the general population are insufficient to allow any conclusion about variant significance. To our knowledge, no occurrence of c.1252+17A>G in individuals affected with Spinocerebellar Ataxia 47 and no experimental evidence demonstrating its impact on protein function have been reported. No submitters have cited clinical-significance assessments for this variant to ClinVar after 2014. Based on the evidence outlined above, the variant was classified as likely benign.